The following is an entry in ClinVar:

NM_001184.4(ATR):c.4927G>A (p.Val1643Ile)

Gene: ATR (ATR checkpoint kinase; minus strand). Cytogenetic location: 3q23.
Variant type: single nucleotide variant.
Coding change: c.4927G>A on transcript NM_001184.4 (MANE Select); coding-DNA position 4927, G replaced by A.
Protein change: p.Val1643Ile; replaces valine 1643 with isoleucine.
Molecular consequence: missense variant.
Genome position (GRCh38, 1-based): chr3:142,508,035, C>T on the plus strand (G>A on the coding strand, the complement: ATR is on the minus strand). VCF-style: chr3-142508035-C-T. GRCh37 (hg19) VCF-style: chr3-142226877-C-T.
Other names: c.4735G>A, p.Val1579Ile (NM_001354579.2); short protein forms V1579I, V1643I.
Identifiers: ClinVar variation 1744161 (VCV001744161.2), dbSNP rs2032345823, ClinGen allele CA354820744.

ClinVar aggregate classification (germline): Uncertain significance (1 of 4 stars; one submission).

Conditions:
Inborn genetic diseases. Identifiers: MedGen C0950123, MeSH D030342.

Submission:

Ambry Genetics
Classification: Uncertain significance for Inborn genetic diseases. Last evaluated: 2023-09-25. Review status: criteria provided, single submitter. Criteria: Ambry Variant Classification Scheme 2023. Collection method: clinical testing. Allele origin: germline.
Comment: The p.V1643I variant (also known as c.4927G>A), located in coding exon 28 of the ATR gene, results from a G to A substitution at nucleotide position 4927. The valine at codon 1643 is replaced by isoleucine, an amino acid with highly similar properties. This amino acid position is conserved. In addition, this alteration is predicted to be tolerated by in silico analysis. Since supporting evidence is limited at this time, the clinical significance of this alteration remains unclear.